The following is an entry in ClinVar:

ClinVar aggregate classification (germline): Uncertain significance (1 of 4 stars; one submission).

Allele frequency attached by ClinVar (database versions not stated): gnomAD exomes below 0.00001.

Submission:

Labcorp Genetics (formerly Invitae), Labcorp
Classification: Uncertain significance. Last evaluated: 2021-11-17. Review status: criteria provided, single submitter. Criteria: Invitae Variant Classification Sherloc (09022015). Collection method: clinical testing. Allele origin: germline.
Comment: In summary, the available evidence is currently insufficient to determine the role of this variant in disease. Therefore, it has been classified as a Variant of Uncertain Significance. Algorithms developed to predict the effect of missense changes on protein structure and function are either unavailable or do not agree on the potential impact of this missense change (SIFT: "Deleterious"; PolyPhen-2: "Benign"; Align-GVGD: "Class C15"). This variant has not been reported in the literature in individuals affected with RCBTB1-related conditions. This variant is not present in population databases (gnomAD no frequency). This sequence change replaces glutamic acid, which is acidic and polar, with glycine, which is neutral and non-polar, at codon 148 of the RCBTB1 protein (p.Glu148Gly).

NM_018191.4(RCBTB1):c.443A>G (p.Glu148Gly)

Gene: RCBTB1 (RCC1 and BTB domain containing protein 1; minus strand). Cytogenetic location: 13q14.2.
Variant type: single nucleotide variant.
Coding change: c.443A>G on transcript NM_018191.4 (MANE Select); coding-DNA position 443, A replaced by G.
Protein change: p.Glu148Gly; replaces glutamic acid 148 with glycine.
Molecular consequence: missense variant. On other transcripts: 5 prime UTR variant (1), non-coding transcript variant (2).
Genome position (GRCh38, 1-based): chr13:49,559,919, T>C on the plus strand (A>G on the coding strand, the complement: RCBTB1 is on the minus strand). VCF-style: chr13-49559919-T-C. GRCh37 (hg19) VCF-style: chr13-50134055-T-C.
Other names: c.443A>G, p.Glu148Gly (NM_001352500.2, NM_001352501.2, NM_001352502.2 and 3 more transcripts); c.-167A>G (NM_001352506.2); short protein forms E148G.
Identifiers: ClinVar variation 1500486 (VCV001500486.6), dbSNP rs2139231398, ClinGen allele CA388192018.